The following is an entry in ClinVar:

NM_001082971.2(DDC):c.801G>A (p.Trp267Ter)

Gene: DDC (dopa decarboxylase; minus strand). Cytogenetic location: 7p12.2.
Variant type: single nucleotide variant.
Coding change: c.801G>A on transcript NM_001082971.2 (MANE Select); coding-DNA position 801, G replaced by A.
Protein change: p.Trp267Ter; replaces tryptophan 267 with a stop codon.
Molecular consequence: nonsense.
Genome position (GRCh38, 1-based): chr7:50,499,223, C>T on the plus strand (G>A on the coding strand, the complement: DDC is on the minus strand). VCF-style: chr7-50499223-C-T. GRCh37 (hg19) VCF-style: chr7-50566921-C-T.
Other names: c.801G>A, p.Trp267Ter (NM_000790.4, NM_001242890.2); c.687G>A, p.Trp229Ter (NM_001242886.2); c.657G>A, p.Trp219Ter (NM_001242887.2); c.567G>A, p.Trp189Ter (NM_001242888.2); c.522G>A, p.Trp174Ter (NM_001242889.2); short protein forms W174*, W189*, W219*, W229*, W267*.
Identifiers: ClinVar variation 2741822 (VCV002741822.3), dbSNP rs1306265578, ClinGen allele CA367538355.

ClinVar aggregate classification (germline): Pathogenic (1 of 4 stars; one submission).

Conditions:
Deficiency of aromatic-L-amino-acid decarboxylase. Also called: AADC DEFICIENCY; Aromatic amino acid decarboxylase deficiency; DDC DEFICIENCY; DOPA DECARBOXYLASE DEFICIENCY; Aromatic L-Amino Acid Decarboxylase Deficiency. Identifiers: Orphanet 35708, MedGen C1291564, MONDO:0012084, OMIM 608643.

Allele frequency attached by ClinVar (database versions not stated): gnomAD exomes below 0.00001; TOPMed 0.00001.
gnomAD v4.1: 4 of 1,613,512 alleles (0.00025%); highest among the groups gnomAD compares: Admixed American, 0.0017%; no homozygotes.

Submission:

Labcorp Genetics (formerly Invitae), Labcorp
Classification: Pathogenic for Deficiency of aromatic-L-amino-acid decarboxylase. Last evaluated: 2025-03-12. Review status: criteria provided, single submitter. Criteria: Invitae Variant Classification Sherloc (09022015). Collection method: clinical testing. Allele origin: germline.
Comment: This sequence change creates a premature translational stop signal (p.Trp267*) in the DDC gene. It is expected to result in an absent or disrupted protein product. Loss-of-function variants in DDC are known to be pathogenic (PMID: 15079002, 24788355). This variant is present in population databases (no rsID available, gnomAD 0.0009%). This premature translational stop signal has been observed in individual(s) with DDC-related conditions (PMID: 36427457). ClinVar contains an entry for this variant (Variation ID: 2741822). For these reasons, this variant has been classified as Pathogenic.

Literature cited by the submitters: PubMed 15079002; PubMed 24788355; PubMed 36427457.